The following is an entry in ClinVar:

NM_000179.3(MSH6):c.812A>G (p.Glu271Gly)

Gene: MSH6 (mutS homolog 6; plus strand). Cytogenetic location: 2p16.3.
Variant type: single nucleotide variant.
Coding change: c.812A>G on transcript NM_000179.3 (MANE Select); coding-DNA position 812, A replaced by G.
Protein change: p.Glu271Gly; replaces glutamic acid 271 with glycine.
Molecular consequence: missense variant. On other transcripts: 5 prime UTR variant (9), non-coding transcript variant (4), intron variant (1).
Genome position (GRCh38, 1-based): chr2:47,798,795, A>G. VCF-style: chr2-47798795-A-G. GRCh37 (hg19) VCF-style: chr2-48025934-A-G.
Other names: c.422A>G, p.Glu141Gly (NM_001281492.2); c.-95A>G (NM_001281493.2, NM_001281494.2, NM_001406811.1 and 6 more transcripts); c.908A>G, p.Glu303Gly (NM_001406795.1, NM_001406802.1); c.812A>G, p.Glu271Gly (NM_001406796.1, NM_001406798.1, NM_001406800.1 and 4 more transcripts); c.515A>G, p.Glu172Gly (NM_001406797.1, NM_001406801.1, NM_001406805.1 and 10 more transcripts); c.287A>G, p.Glu96Gly (NM_001406799.1, NM_001406806.1, NM_001406807.1); c.734A>G, p.Glu245Gly (NM_001406804.1); c.818A>G, p.Glu273Gly (NM_001406813.1); and 2 more; short protein forms E141G, E172G, E215G, E245G, E271G, E273G, E303G, E96G.
Identifiers: ClinVar variation 3361701 (VCV003361701.1).

ClinVar aggregate classification (germline): Uncertain significance (1 of 4 stars; one submission).

gnomAD v4.1: 1 of 1,614,178 alleles (0.000062%); highest among the groups gnomAD compares: Non-Finnish European, 0.000085%; no homozygotes.

Submission:

GeneDx
Classification: Uncertain significance. Last evaluated: 2023-07-27. Review status: criteria provided, single submitter. Criteria: GeneDx Variant Classification Process June 2021. Collection method: clinical testing. Allele origin: germline. Affected: yes.
Comment: Not observed at significant frequency in large population cohorts (gnomAD); In silico analysis supports that this missense variant does not alter protein structure/function; Has not been previously published as pathogenic or benign to our knowledge; This variant is associated with the following publications: (PMID: 21437237)